The following is an entry in ClinVar:

ClinVar aggregate classification (germline): Uncertain significance. Review status: criteria provided, multiple submitters, no conflicts (2 of 4 stars). 4 submissions from 4 submitters: Uncertain significance (4). Last evaluated 2025-10-13.

Conditions:
Inborn genetic diseases. Identifiers: MedGen C0950123, MeSH D030342.
Developmental and epileptic encephalopathy, 5 (DEE5). Identifiers: Orphanet 3451, MedGen C3150731, MONDO:0013277, OMIM 613477.
Early-infantile DEE. Also called: Early infantile epileptic encephalopathy; Early infantile epileptic encephalopathy with suppression bursts; Ohtahara syndrome. Identifiers: Orphanet 1934, MedGen C0393706, MONDO:0800491.

Allele frequency attached by ClinVar (database versions not stated): TOPMed below 0.00001; ExAC 0.00001; gnomAD exomes 0.00001.
gnomAD v4.1: 2 of 1,614,218 alleles (0.00012%); highest among the groups gnomAD compares: Middle Eastern, 0.016%; no homozygotes.

Submissions (4):

Labcorp Genetics (formerly Invitae), Labcorp
Classification: Uncertain significance for Early-infantile DEE. Last evaluated: 2025-10-13. Review status: criteria provided, single submitter. Criteria: Invitae Variant Classification Sherloc (09022015). Collection method: clinical testing. Allele origin: germline.
Comment: This sequence change replaces leucine, which is neutral and non-polar, with glutamine, which is neutral and polar, at codon 127 of the SPTAN1 protein (p.Leu127Gln). This variant is present in population databases (rs768538310, gnomAD 0.003%). This missense change has been observed in individuals with clinical features of epileptic encephalopathy (internal data). ClinVar contains an entry for this variant (Variation ID: 1015060). Invitae Evidence Modeling of protein sequence and biophysical properties (such as structural, functional, and spatial information, amino acid conservation, physicochemical variation, residue mobility, and thermodynamic stability) has been performed for this missense variant. However, the output from this modeling did not meet the statistical confidence thresholds required to predict the impact of this variant on SPTAN1 protein function. In summary, the available evidence is currently insufficient to determine the role of this variant in disease. Therefore, it has been classified as a Variant of Uncertain Significance.

Genomic Medicine Center of Excellence, King Faisal Specialist Hospital and Research Centre
Classification: Uncertain significance for Developmental and epileptic encephalopathy, 5. Last evaluated: 2025-09-10. Review status: criteria provided, single submitter. Criteria: ACMG Guidelines, 2015. Collection method: clinical testing. Allele origin: germline.

CeGaT Center for Human Genetics Tuebingen
Classification: Uncertain significance. Last evaluated: 2025-04-01. Review status: criteria provided, single submitter. Criteria: CeGaT Center For Human Genetics Tuebingen Variant Classification Criteria Version 2. Collection method: clinical testing. Allele origin: germline. Affected: yes. Observed: 1 variant allele.
Comment: SPTAN1: PM2, PP3

Ambry Genetics
Classification: Uncertain significance for Inborn genetic diseases. Last evaluated: 2017-12-28. Review status: criteria provided, single submitter. Criteria: Ambry Variant Classification Scheme 2023. Collection method: clinical testing. Allele origin: germline.
Comment: The p.L127Q variant (also known as c.380T>A), located in coding exon 3 of the SPTAN1 gene, results from a T to A substitution at nucleotide position 380. The leucine at codon 127 is replaced by glutamine, an amino acid with dissimilar properties. This variant did not co-segregate with disease in one family tested in our laboratory. This amino acid position is highly conserved in available vertebrate species. In addition, this alteration is predicted to be deleterious by in silico analysis. Since supporting evidence is limited at this time, the clinical significance of this alteration remains unclear.

NM_001130438.3(SPTAN1):c.380T>A (p.Leu127Gln)

Gene: SPTAN1 (spectrin alpha, non-erythrocytic 1; plus strand). Cytogenetic location: 9q34.11.
Variant type: single nucleotide variant.
Coding change: c.380T>A on transcript NM_001130438.3 (MANE Select); coding-DNA position 380, T replaced by A.
Protein change: p.Leu127Gln; replaces leucine 127 with glutamine.
Molecular consequence: missense variant.
Genome position (GRCh38, 1-based): chr9:128,574,691, T>A. VCF-style: chr9-128574691-T-A. GRCh37 (hg19) VCF-style: chr9-131336970-T-A.
Other names: c.380T>A, p.Leu127Gln (NM_001195532.2, NM_001363759.2, NM_001363765.2 and 5 more transcripts); c.416T>A, p.Leu139Gln (NM_001375312.2, NM_001375318.1); short protein forms L127Q, L139Q.
Identifiers: ClinVar variation 1015060 (VCV001015060.19), dbSNP rs768538310, ClinGen allele CA5264165.